The following is an entry in ClinVar:

NM_021153.4(CDH19):c.1958C>A (p.Ala653Asp)

Gene: CDH19 (cadherin 19; minus strand). Cytogenetic location: 18q22.1.
Variant type: single nucleotide variant.
Coding change: c.1958C>A on transcript NM_021153.4 (MANE Select); coding-DNA position 1958, C replaced by A.
Protein change: p.Ala653Asp; replaces alanine 653 with aspartic acid.
Molecular consequence: missense variant. On other transcripts: 3 prime UTR variant (1), non-coding transcript variant (1).
Genome position (GRCh38, 1-based): chr18:66,505,173, G>T on the plus strand (C>A on the coding strand, the complement: CDH19 is on the minus strand). VCF-style: chr18-66505173-G-T. GRCh37 (hg19) VCF-style: chr18-64172410-G-T.
Other names: c.*115C>A (NM_001271028.2); short protein forms A653D.
Identifiers: ClinVar variation 3056634 (VCV003056634.2), dbSNP rs147142082, ClinGen allele CA8991690.

ClinVar aggregate classification (germline): Benign (0 of 4 stars; one submission).

Conditions:
CDH19-related disorder. Also called: CDH19-related condition.

Allele frequency attached by ClinVar (database versions not stated): 1000 Genomes Project 0.00359; 1000 Genomes Project 30x 0.00406; ESP Exome Variant Server 0.00415; gnomAD 0.00471; TOPMed 0.00564.
gnomAD v4.1: 1,550 of 1,613,228 alleles (0.096%); highest among the groups gnomAD compares: African/African-American, 1.6%; 7 homozygotes.

Submission:

PreventionGenetics, part of Exact Sciences
Classification: Benign for CDH19-related condition. Last evaluated: 2019-04-30. Review status: no assertion criteria provided. Collection method: clinical testing. Allele origin: germline.
Comment: This variant is classified as benign based on ACMG/AMP sequence variant interpretation guidelines (Richards et al. 2015 PMID: 25741868, with internal and published modifications).